The following is an entry in ClinVar:

ClinVar aggregate classification (germline): Likely benign (0 of 4 stars; one submission).

Conditions:
FUT3-related disorder. Also called: FUT3-related condition.

Allele frequency attached by ClinVar (database versions not stated): gnomAD 0.00001; TOPMed 0.00001; ExAC 0.00006.

Submission:

PreventionGenetics, part of Exact Sciences
Classification: Likely benign for FUT3-related condition. Last evaluated: 2021-03-30. Review status: no assertion criteria provided. Collection method: clinical testing. Allele origin: germline.
Comment: This variant is classified as likely benign based on ACMG/AMP sequence variant interpretation guidelines (Richards et al. 2015 PMID: 25741868, with internal and published modifications).

NM_001097639.3(FUT3):c.741C>T (p.Phe247=)

Gene: FUT3 (fucosyltransferase 3 (Lewis blood group); minus strand). Cytogenetic location: 19p13.3.
Variant type: single nucleotide variant.
Coding change: c.741C>T on transcript NM_001097639.3 (MANE Select); coding-DNA position 741, C replaced by T.
Protein change: p.Phe247=; no amino-acid change (phenylalanine 247 retained).
Molecular consequence: synonymous variant.
Genome position (GRCh38, 1-based): chr19:5,844,099, G>A on the plus strand (C>T on the coding strand, the complement: FUT3 is on the minus strand). VCF-style: chr19-5844099-G-A. GRCh37 (hg19) VCF-style: chr19-5844110-G-A.
Other names: c.741C>T, p.Phe247= (NM_000149.4, NM_001097640.3, NM_001097641.3 and 8 more transcripts).
Identifiers: ClinVar variation 3030328 (VCV003030328.2), dbSNP rs750246535, ClinGen allele CA9118232.
Genomic context (GRCh38, chr19:5,844,099, plus strand): 5'-GGCCTCCAGGGCGTTCCTCCACAGCTTCTCGGTGATGTAGTCGGGGTGCAAGGAGTTCTC[G>A]AAGGCCAGGTAGAACTTGTACCGGGACAGCGTCTCCATCATGGTCCCCTTGGGCAGGGGC-3'
Protein context (NP_001091108.3, residues 237-257): TLSRYKFYLA[Phe247=]ENSLHPDYIT